The following is an entry in ClinVar:

NM_015259.6(ICOSLG):c.512G>A (p.Trp171Ter)

Gene: ICOSLG (inducible T cell costimulator ligand; minus strand). Cytogenetic location: 21q22.3.
Variant type: single nucleotide variant.
Coding change: c.512G>A on transcript NM_015259.6 (MANE Select); coding-DNA position 512, G replaced by A.
Protein change: p.Trp171Ter; replaces tryptophan 171 with a stop codon.
Molecular consequence: nonsense.
Genome position (GRCh38, 1-based): chr21:44,235,457, C>T on the plus strand (G>A on the coding strand, the complement: ICOSLG is on the minus strand). VCF-style: chr21-44235457-C-T. GRCh37 (hg19) VCF-style: chr21-45655340-C-T.
Other names: c.512G>A, p.Trp171Ter (NM_001283050.2, NM_001395918.1); c.161G>A, p.Trp54Ter (NM_001283051.2); c.257G>A, p.Trp86Ter (NM_001283052.2); c.431G>A, p.Trp144Ter (NM_001365759.2); short protein forms W171*, W86*, W144*, W54*.
Identifiers: ClinVar variation 2854880 (VCV002854880.3), dbSNP rs2517845972, ClinGen allele CA410615046.
Genomic context (GRCh38, chr21:44,235,457, plus strand): 5'-AAGAAGACGGTGTCATTCTGCAGAGCCTGGTCCAGCAGGCTGTTGTCCGTCTTATTGATC[C>T]AGTACACGTTGGGCCTGGGGTAGCCGTTTATGGATGTACACGTGAAGGTGAGCTCATCCT-3'

ClinVar aggregate classification (germline): Uncertain significance (1 of 4 stars; one submission).

Submission:

Labcorp Genetics (formerly Invitae), Labcorp
Classification: Uncertain significance. Last evaluated: 2023-04-10. Review status: criteria provided, single submitter. Criteria: Invitae Variant Classification Sherloc (09022015). Collection method: clinical testing. Allele origin: germline.
Comment: In summary, the available evidence is currently insufficient to determine the role of this variant in disease. Therefore, it has been classified as a Variant of Uncertain Significance. This variant has not been reported in the literature in individuals affected with ICOSLG-related conditions. This variant is not present in population databases (gnomAD no frequency). This sequence change creates a premature translational stop signal (p.Trp171*) in the ICOSLG gene. It is expected to result in an absent or disrupted protein product. However, the current clinical and genetic evidence is not sufficient to establish whether loss-of-function variants in ICOSLG cause disease.